The following is an entry in ClinVar:

NM_014159.7(SETD2):c.2278C>A (p.Leu760Ile)

Gene: SETD2 (SET domain containing 2, histone lysine methyltransferase; minus strand). Cytogenetic location: 3p21.31.
Variant type: single nucleotide variant.
Coding change: c.2278C>A on transcript NM_014159.7 (MANE Select); coding-DNA position 2278, C replaced by A.
Protein change: p.Leu760Ile; replaces leucine 760 with isoleucine.
Molecular consequence: missense variant. On other transcripts: non-coding transcript variant (1).
Genome position (GRCh38, 1-based): chr3:47,122,358, G>T on the plus strand (C>A on the coding strand, the complement: SETD2 is on the minus strand). VCF-style: chr3-47122358-G-T. GRCh37 (hg19) VCF-style: chr3-47163848-G-T.
Other names: c.2146C>A, p.Leu716Ile (NM_001349370.3); short protein forms L716I, L760I.
Identifiers: ClinVar variation 1008467 (VCV001008467.5), dbSNP rs1311443196, ClinGen allele CA352527043.
Genomic context (GRCh38, chr3:47,122,358, plus strand): 5'-CAACTGGTTCTTTAACTACTGTTTTGGAATAATCCACAGTCATAACTGGCATAGACATGA[G>T]TTTATCTTGGTGTGGTGACACCAGAGGTTCTGTTTCTCTAAATGGGCTTTCTGACTTCTT-3'
Protein context (NP_054878.5, residues 750-770): EPLVSPHQDK[Leu760Ile]MSMPVMTVDY

ClinVar aggregate classification (germline): Uncertain significance (1 of 4 stars; one submission).

Conditions:
Luscan-Lumish syndrome. Identifiers: Orphanet 597738, MedGen C4085873, MONDO:0014791, OMIM 616831.

Allele frequency attached by ClinVar (database versions not stated): TOPMed below 0.00001; gnomAD exomes 0.00001.
gnomAD v4.1: 8 of 1,614,140 alleles (0.0005%); highest among the groups gnomAD compares: Non-Finnish European, 0.00068%; no homozygotes.

Submission:

Labcorp Genetics (formerly Invitae), Labcorp
Classification: Uncertain significance for Luscan-Lumish syndrome. Last evaluated: 2020-10-05. Review status: criteria provided, single submitter. Criteria: Invitae Variant Classification Sherloc (09022015). Collection method: clinical testing. Allele origin: germline.
Comment: This sequence change replaces leucine with isoleucine at codon 760 of the SETD2 protein (p.Leu760Ile). The leucine residue is weakly conserved and there is a small physicochemical difference between leucine and isoleucine. This variant is not present in population databases (ExAC no frequency). This variant has not been reported in the literature in individuals with SETD2-related conditions. Algorithms developed to predict the effect of missense changes on protein structure and function (SIFT, PolyPhen-2, Align-GVGD) all suggest that this variant is likely to be tolerated, but these predictions have not been confirmed by published functional studies and their clinical significance is uncertain. In summary, the available evidence is currently insufficient to determine the role of this variant in disease. Therefore, it has been classified as a Variant of Uncertain Significance.